The following is an entry in ClinVar:

ClinVar aggregate classification (germline): Uncertain significance (1 of 4 stars; one submission).

gnomAD v4.1: 1 of 1,533,716 alleles (0.000065%); highest among the groups gnomAD compares: Non-Finnish European, 0.000087%; no homozygotes.

Submission:

Ambry Genetics
Classification: Uncertain significance. Last evaluated: 2025-05-19. Review status: criteria provided, single submitter. Criteria: Ambry Variant Classification Scheme 2023. Collection method: clinical testing. Allele origin: germline.
Comment: The p.Q723K variant (also known as c.2167C>A), located in coding exon 9 of the WNK2 gene, results from a C to A substitution at nucleotide position 2167. The glutamine at codon 723 is replaced by lysine, an amino acid with similar properties. This amino acid position is conserved. In addition, this alteration is predicted to be tolerated by in silico analysis. Based on the available evidence, the clinical significance of this variant remains unclear.

NM_006648.4(WNK2):c.2167C>A (p.Gln723Lys)

Gene: WNK2 (WNK lysine deficient protein kinase 2; plus strand). Cytogenetic location: 9q22.31.
Variant type: single nucleotide variant.
Coding change: c.2167C>A on transcript NM_006648.4 (MANE Select); coding-DNA position 2167, C replaced by A.
Protein change: p.Gln723Lys; replaces glutamine 723 with lysine.
Molecular consequence: missense variant.
Genome position (GRCh38, 1-based): chr9:93,256,431, C>A. VCF-style: chr9-93256431-C-A. GRCh37 (hg19) VCF-style: chr9-96018713-C-A.
Other names: c.2167C>A, p.Gln723Lys (NM_001282394.3); short protein forms Q723K.
Identifiers: ClinVar variation 3982081 (VCV003982081.1).